The following is an entry in ClinVar:

ClinVar aggregate classification (germline): Uncertain significance. Review status: criteria provided, multiple submitters, no conflicts (2 of 4 stars). 2 submissions from 2 submitters: Uncertain significance (2). Last evaluated 2025-12-29.

Conditions:
Autosomal dominant hypocalcemia 1 (HYPOC1). Also called: HYPOCALCEMIA, FAMILIAL. Identifiers: MedGen C3715128, MONDO:0011013, OMIM 601198.
Familial hypocalciuric hypercalcemia (FHH). Also called: Familial benign hypercalcemia. Identifiers: Orphanet 405, MedGen C1809471, MONDO:0018458.

Submissions (2):

Center for Genomic Medicine, Rigshospitalet, Copenhagen University Hospital
Classification: Uncertain significance. Last evaluated: 2025-12-29. Review status: criteria provided, single submitter. Criteria: ACMG Guidelines, 2015. Collection method: clinical testing. Allele origin: germline.
Comment: Classification criteria: PP3_Moderate, PM2_Supporting, PP4_Supporting

Labcorp Genetics (formerly Invitae), Labcorp
Classification: Uncertain significance for Familial hypocalciuric hypercalcemia; Autosomal dominant hypocalcemia 1. Last evaluated: 2025-09-02. Review status: criteria provided, single submitter. Criteria: Invitae Variant Classification Sherloc (09022015). Collection method: clinical testing. Allele origin: germline.
Comment: This sequence change replaces valine, which is neutral and non-polar, with phenylalanine, which is neutral and non-polar, at codon 817 of the CASR protein (p.Val817Phe). This variant is not present in population databases (gnomAD no frequency). This variant has not been reported in the literature in individuals affected with CASR-related conditions. An algorithm developed to predict the effect of missense changes on protein structure and function (PolyPhen-2) suggests that this variant is likely to be disruptive. This variant disrupts the p.Val817 amino acid residue in CASR. Other variant(s) that disrupt this residue have been determined to be pathogenic (PMID: 8675635, 17284438, 22798347, 23372019). This suggests that this residue is clinically significant, and that variants that disrupt this residue are likely to be disease-causing. In summary, the available evidence is currently insufficient to determine the role of this variant in disease. Therefore, it has been classified as a Variant of Uncertain Significance.

Literature cited by the submitters: PubMed 22798347 (cited by Center for Genomic Medicine, Rigshospitalet, Copenhagen University Hospital and Labcorp Genetics (formerly Invitae), Labcorp); PubMed 23372019 (cited by Center for Genomic Medicine, Rigshospitalet, Copenhagen University Hospital and Labcorp Genetics (formerly Invitae), Labcorp); PubMed 8675635 (cited by Center for Genomic Medicine, Rigshospitalet, Copenhagen University Hospital and Labcorp Genetics (formerly Invitae), Labcorp); PubMed 17284438 (cited by Labcorp Genetics (formerly Invitae), Labcorp).

NM_000388.4(CASR):c.2449G>T (p.Val817Phe)

Gene: CASR (calcium sensing receptor; plus strand). Cytogenetic location: 3q21.1.
Variant type: single nucleotide variant.
Coding change: c.2449G>T on transcript NM_000388.4 (MANE Select); coding-DNA position 2449, G replaced by T.
Protein change: p.Val817Phe; replaces valine 817 with phenylalanine.
Molecular consequence: missense variant.
Genome position (GRCh38, 1-based): chr3:122,284,403, G>T. VCF-style: chr3-122284403-G-T. GRCh37 (hg19) VCF-style: chr3-122003250-G-T.
Other names: c.2479G>T, p.Val827Phe (NM_001178065.2); short protein forms V817F, V827F.
Identifiers: ClinVar variation 4539432 (VCV004539432.2).
Genomic context (GRCh38, chr3:122,284,403, plus strand): 5'-CTGCCGGAGAACTTCAATGAAGCCAAGTTCATCACCTTCAGCATGCTCATCTTCTTCATC[G>T]TCTGGATCTCCTTCATTCCAGCCTATGCCAGCACCTATGGCAAGTTTGTCTCTGCCGTAG-3'
Protein context (NP_000379.3, residues 807-827): ITFSMLIFFI[Val817Phe]WISFIPAYAS